The following is an entry in ClinVar:

NM_002282.3(KRT83):c.666C>A (p.Cys222Ter)

Gene: KRT83 (keratin 83; minus strand). Cytogenetic location: 12q13.13.
Variant type: single nucleotide variant.
Coding change: c.666C>A on transcript NM_002282.3 (MANE Select); coding-DNA position 666, C replaced by A.
Protein change: p.Cys222Ter; replaces cysteine 222 with a stop codon.
Molecular consequence: nonsense.
Genome position (GRCh38, 1-based): chr12:52,317,765, G>T on the plus strand (C>A on the coding strand, the complement: KRT83 is on the minus strand). VCF-style: chr12-52317765-G-T. GRCh37 (hg19) VCF-style: chr12-52711549-G-T.
Other names: short protein forms C222*.
Identifiers: ClinVar variation 309526 (VCV000309526.39), dbSNP rs2857667, ClinGen allele CA6577575.
Genomic context (GRCh38, chr12:52,317,765, plus strand): 5'-GTCAATCTCCTGGATCAGGGCCTCCACGTTGGCCTCCAGGTCTGACTTGCGGAGGTAGGC[G>T]CAGTCCACATCCTGGGTGGGGTAGAAGGGGCTGTGAGGCCGGCTTTCCTCAGAGGGCTCT-3'

ClinVar aggregate classification (germline): Benign/Likely benign. Review status: criteria provided, multiple submitters, no conflicts (2 of 4 stars). 5 submissions from 5 submitters: Benign (2); Likely benign (2). 1 of the submissions does not count toward it. Last evaluated 2026-01-09.

Conditions:
KRT83-related disorder. Also called: KRT83-related condition.

Allele frequency attached by ClinVar (database versions not stated): 1000 Genomes Project 30x 0.00078; 1000 Genomes Project 0.00100.
gnomAD v4.1: 14,002 of 1,613,622 alleles (0.87%); highest among the groups gnomAD compares: Non-Finnish European, 1.1%; 88 homozygotes.

Submissions (5):

Labcorp Genetics (formerly Invitae), Labcorp
Classification: Benign. Last evaluated: 2026-01-09. Review status: criteria provided, single submitter. Criteria: Invitae Variant Classification Sherloc (09022015). Collection method: clinical testing. Allele origin: germline.

CeGaT Center for Human Genetics Tuebingen
Classification: Benign. Last evaluated: 2023-10-01. Review status: criteria provided, single submitter. Criteria: CeGaT Center For Human Genetics Tuebingen Variant Classification Criteria Version 2. Collection method: clinical testing. Allele origin: germline. Affected: yes. Observed: 2 variant alleles.
Comment: KRT83: BS1, BS2

Center for Pediatric Genomic Medicine, Children's Mercy Hospital and Clinics
Classification: Likely benign. Last evaluated: 2016-11-07. Review status: criteria provided, single submitter. Criteria: ACMG Guidelines, 2015. Collection method: clinical testing. Allele origin: germline.
ClinVar note: Converted during submission from Likely Benign to Likely benign.

Breakthrough Genomics
Classification: Likely benign. Review status: criteria provided, single submitter. Criteria: ACMG Guidelines, 2015. Collection method: not provided. Allele origin: germline. Inheritance: Autosomal recessive inheritance. Affected: yes.

PreventionGenetics, part of Exact Sciences
Classification: Likely benign for KRT83-related condition. Last evaluated: 2024-01-19. Review status: no assertion criteria provided. Collection method: clinical testing. Allele origin: germline. Not counted in ClinVar's aggregate classification.
Comment: This variant is classified as likely benign based on ACMG/AMP sequence variant interpretation guidelines (Richards et al. 2015 PMID: 25741868, with internal and published modifications).